The following is an entry in ClinVar:

ClinVar aggregate classification (germline): Pathogenic/Likely pathogenic. Review status: criteria provided, multiple submitters, no conflicts (2 of 4 stars). 2 submissions from 2 submitters: Pathogenic (1); Likely pathogenic (1). Last evaluated 2026-01-15.

Conditions:
Developmental and epileptic encephalopathy, 13 (DEE13). Also called: Early infantile epileptic encephalopathy 13; Developmental and Epileptic Encephalopathy (SCN8A-DEE); SCN8A-Related Epilepsy. Identifiers: Orphanet 442835, MedGen C3281191, MONDO:0013801, OMIM 614558.
Early-infantile DEE. Also called: Early infantile epileptic encephalopathy; Ohtahara syndrome; Early infantile epileptic encephalopathy with suppression bursts. Identifiers: Orphanet 1934, MedGen C0393706, MONDO:0800491.

Submissions (2):

3billion
Classification: Likely pathogenic for Developmental and epileptic encephalopathy, 13. Last evaluated: 2026-01-15. Review status: criteria provided, single submitter. Criteria: ACMG Guidelines, 2015. Collection method: clinical testing. Allele origin: germline. Affected: yes.
Comment: The variant is not observed in the gnomAD v4.1.0 dataset. Predicted Consequence/Location: Missense variant In silico tool predictions suggest damaging effect of the variant on gene or gene product [REVEL: 0.87 (>=0.6, sensitivity 0.68 and specificity 0.92); 3Cnet: 0.99 (> 0.75, sensitivity 0.96 and precision 0.92)]. The same nucleotide change resulting in the same amino acid change has been previously reported to be associated with SCN8A-related disorder (ClinVar ID: VCV001515093 /PMID: 35230384). The variant has been previously reported as assumed (i.e. paternity and maternity not confirmed) de novo in at least one similarly affected unrelated individual (PMID: 35230384). Therefore, this variant is classified as Likely pathogenic according to the recommendation of ACMG/AMP guideline.

Labcorp Genetics (formerly Invitae), Labcorp
Classification: Pathogenic for Early-infantile DEE. Last evaluated: 2022-06-08. Review status: criteria provided, single submitter. Criteria: Invitae Variant Classification Sherloc (09022015). Collection method: clinical testing. Allele origin: germline.
Comment: Algorithms developed to predict the effect of missense changes on protein structure and function are either unavailable or do not agree on the potential impact of this missense change (SIFT: "Deleterious"; PolyPhen-2: "Probably Damaging"; Align-GVGD: "Class C0"). This missense change has been observed in individual(s) with clinical features of SCN8A-related conditions (Invitae). In at least one individual the variant was observed to be de novo. For these reasons, this variant has been classified as Pathogenic. Algorithms developed to predict the effect of sequence changes on RNA splicing suggest that this variant may create or strengthen a splice site. This variant is not present in population databases (gnomAD no frequency). This sequence change replaces valine, which is neutral and non-polar, with isoleucine, which is neutral and non-polar, at codon 1462 of the SCN8A protein (p.Val1462Ile).

Literature cited by the submitters: PubMed 35230384 (cited by 3billion).

NM_001330260.2(SCN8A):c.4384G>A (p.Val1462Ile)

Gene: SCN8A (sodium voltage-gated channel alpha subunit 8; plus strand). Cytogenetic location: 12q13.13.
Variant type: single nucleotide variant.
Coding change: c.4384G>A on transcript NM_001330260.2 (MANE Select); coding-DNA position 4384, G replaced by A.
Protein change: p.Val1462Ile; replaces valine 1462 with isoleucine.
Molecular consequence: missense variant.
Genome position (GRCh38, 1-based): chr12:51,789,383, G>A. VCF-style: chr12-51789383-G-A. GRCh37 (hg19) VCF-style: chr12-52183167-G-A.
Other names: c.4261G>A, p.Val1421Ile (NM_001177984.3, NM_001369788.1); c.4384G>A, p.Val1462Ile (NM_014191.4); short protein forms V1462I, V1421I.
Identifiers: ClinVar variation 1515093 (VCV001515093.8), dbSNP rs2138909650, ClinGen allele CA384908538.